The following is an entry in ClinVar:

ClinVar aggregate classification (germline): Uncertain significance (1 of 4 stars; one submission).

gnomAD v4.1: 3 of 1,592,682 alleles (0.00019%); highest among the groups gnomAD compares: Non-Finnish European, 0.00026%; no homozygotes.

Submission:

Labcorp Genetics (formerly Invitae), Labcorp
Classification: Uncertain significance. Last evaluated: 2024-11-21. Review status: criteria provided, single submitter. Criteria: Invitae Variant Classification Sherloc (09022015). Collection method: clinical testing. Allele origin: germline.
Comment: This sequence change replaces arginine, which is basic and polar, with glutamine, which is neutral and polar, at codon 484 of the NALCN protein (p.Arg484Gln). The frequency data for this variant in the population databases is considered unreliable, as metrics indicate poor data quality at this position in the gnomAD database. This variant has not been reported in the literature in individuals affected with NALCN-related conditions. Invitae Evidence Modeling of protein sequence and biophysical properties (such as structural, functional, and spatial information, amino acid conservation, physicochemical variation, residue mobility, and thermodynamic stability) indicates that this missense variant is expected to disrupt NALCN protein function with a positive predictive value of 80%. In summary, the available evidence is currently insufficient to determine the role of this variant in disease. Therefore, it has been classified as a Variant of Uncertain Significance.

NM_052867.4(NALCN):c.1451G>A (p.Arg484Gln)

Gene: NALCN (sodium leak channel, non-selective; minus strand). Cytogenetic location: 13q33.1.
Variant type: single nucleotide variant.
Coding change: c.1451G>A on transcript NM_052867.4 (MANE Select); coding-DNA position 1451, G replaced by A.
Protein change: p.Arg484Gln; replaces arginine 484 with glutamine.
Molecular consequence: missense variant.
Genome position (GRCh38, 1-based): chr13:101,229,568, C>T on the plus strand (G>A on the coding strand, the complement: NALCN is on the minus strand). VCF-style: chr13-101229568-C-T. GRCh37 (hg19) VCF-style: chr13-101881919-C-T.
Other names: c.1451G>A, p.Arg484Gln (NM_001350748.2, NM_001350749.2); c.1364G>A, p.Arg455Gln (NM_001350750.2, NM_001350751.2); short protein forms R455Q, R484Q.
Identifiers: ClinVar variation 3719983 (VCV003719983.2).
Genomic context (GRCh38, chr13:101,229,568, plus strand): 5'-TTTCCAGGACCAAATATCTTGTACACAAAGTCTTCTAATGCAGGTGAAATCTTAATCAGC[C>T]GAACTACTCGGAGAACCTATCAAGGGAGAGAGAAACATTTATTTACACATATGATCATTT-3'
Protein context (NP_443099.1, residues 474-494): FTYFQVLRVV[Arg484Gln]LIKISPALED